The following is an entry in ClinVar:

NM_001018113.3(FANCB):c.-173G>C

Gene: FANCB (FA complementation group B; minus strand). Cytogenetic location: Xp22.2.
Variant type: single nucleotide variant.
Coding change: c.-173G>C on transcript NM_001018113.3 (MANE Select); 173 bases upstream of the start codon, G replaced by C.
Molecular consequence: 5 prime UTR variant. On other transcripts: non-coding transcript variant (1), intron variant (1).
Genome position (GRCh38, 1-based): chrX:14,869,025, C>G on the plus strand (G>C on the coding strand, the complement: FANCB is on the minus strand). VCF-style: chrX-14869025-C-G. GRCh37 (hg19) VCF-style: chrX-14887147-C-G.
Other names: c.-173G>C (NM_001324162.2); c.-70-3445G>C (NM_152633.4).
Identifiers: ClinVar variation 368036 (VCV000368036.8), dbSNP rs2188383, ClinGen allele CA10654277.

ClinVar aggregate classification (germline): Benign. Review status: criteria provided, multiple submitters, no conflicts (2 of 4 stars). 4 submissions from 3 submitters: Benign (3). 1 of the submissions does not count toward it. Last evaluated 2018-01-12.

Conditions:
Fanconi anemia complementation group B (FANCB). Also called: FANCB-Related Fanconi Anemia; FANCONI PANCYTOPENIA, TYPE 2. Identifiers: Orphanet 84, MedGen C1845292, MONDO:0010351, OMIM 300514.
X-linked central congenital hypothyroidism with late-onset testicular enlargement. Also called: Hypothyroidism, central, and testicular enlargement; HYPOTHYROIDISM, CENTRAL, WITH TESTICULAR ENLARGEMENT. Identifiers: Orphanet 329235, MedGen C3550963, MONDO:0010475, OMIM 300888.
VACTERL association, X-linked, with or without hydrocephalus (VACTERLX). Also called: VACTERL-H, X-LINKED; VACTERL Association with Hydrocephalus, X-linked; X-linked VACTERL-H syndrome; VACTERL ASSOCIATION, X-LINKED. Identifiers: Orphanet 3412, MedGen C2931228, MONDO:0010752, OMIM 314390.

Allele frequency attached by ClinVar (database versions not stated): 1000 Genomes Project 0.52556; 1000 Genomes Project 30x 0.54069; TOPMed 0.62183; gnomAD 0.63320.

Submissions (4):

Illumina Laboratory Services, Illumina
Classification: Benign for Fanconi anemia complementation group B. Last evaluated: 2018-01-12. Review status: criteria provided, single submitter. Criteria: ICSL Variant Classification Criteria 13 December 2019. Collection method: clinical testing. Allele origin: germline.
Comment: This variant was observed in the ICSL laboratory as part of a predisposition screen in an ostensibly healthy population. It had not been previously curated by ICSL or reported in the Human Gene Mutation Database (HGMD: prior to June 1st, 2018), and was therefore a candidate for classification through an automated scoring system. Utilizing variant allele frequency, disease prevalence and penetrance estimates, and inheritance mode, an automated score was calculated to assess if this variant is too frequent to cause the disease. Based on the score and internal cut-off values, a variant classified as benign is not then subjected to further curation. The score for this variant resulted in a classification of benign for this disease.

Illumina Laboratory Services, Illumina
Classification: Benign for VACTERL association with hydrocephaly, X-linked. Last evaluated: 2018-01-12. Review status: criteria provided, single submitter. Criteria: ICSL Variant Classification Criteria 13 December 2019. Collection method: clinical testing. Allele origin: germline.
Comment: the same text as in the submission from Illumina Laboratory Services, Illumina above.

Breakthrough Genomics
Classification: Benign. Review status: criteria provided, single submitter. Criteria: ACMG Guidelines, 2015. Collection method: not provided. Allele origin: germline. Inheritance: X-linked inheritance. Affected: yes.

Leiden Open Variation Database
Classification: Likely benign for X-linked central congenital hypothyroidism with late-onset testicular enlargement. Last evaluated: 2020-02-28. Review status: no assertion criteria provided. Collection method: curation. Allele origin: germline. Affected: yes. Not counted in ClinVar's aggregate classification.
Comment: Curator: Arleen D. Auerbach. Submitter to LOVD: Yu Sun.